The following is an entry in ClinVar:

NM_006904.7(PRKDC):c.1762G>T (p.Val588Phe)

Gene: PRKDC (protein kinase, DNA-activated, catalytic subunit; minus strand). Cytogenetic location: 8q11.21.
Variant type: single nucleotide variant.
Coding change: c.1762G>T on transcript NM_006904.7 (MANE Select); coding-DNA position 1762, G replaced by T.
Protein change: p.Val588Phe; replaces valine 588 with phenylalanine.
Molecular consequence: missense variant.
Genome position (GRCh38, 1-based): chr8:47,933,034, C>A on the plus strand (G>T on the coding strand, the complement: PRKDC is on the minus strand). VCF-style: chr8-47933034-C-A. GRCh37 (hg19) VCF-style: chr8-48845594-C-A.
Other names: c.1762G>T, p.Val588Phe (NM_001081640.2); short protein forms V588F.
Identifiers: ClinVar variation 2626315 (VCV002626315.2), dbSNP rs1374317607, ClinGen allele CA371164917.

ClinVar aggregate classification (germline): Uncertain significance (1 of 4 stars; one submission).

Submission:

Ambry Genetics
Classification: Uncertain significance. Last evaluated: 2023-06-18. Review status: criteria provided, single submitter. Criteria: Ambry Variant Classification Scheme 2023. Collection method: clinical testing. Allele origin: germline.
Comment: The p.V588F variant (also known as c.1762G>T), located in coding exon 16 of the PRKDC gene, results from a G to T substitution at nucleotide position 1762. The valine at codon 588 is replaced by phenylalanine, an amino acid with highly similar properties. This amino acid position is conserved. In addition, this alteration is predicted to be tolerated by in silico analysis. Since supporting evidence is limited at this time, the clinical significance of this alteration remains unclear.